The following is an entry in ClinVar:

ClinVar aggregate classification (germline): Uncertain significance (1 of 4 stars; one submission).

Submission:

Ambry Genetics
Classification: Uncertain significance. Last evaluated: 2023-01-25. Review status: criteria provided, single submitter. Criteria: Ambry Variant Classification Scheme 2023. Collection method: clinical testing. Allele origin: germline.
Comment: The p.P658A variant (also known as c.1972C>G), located in coding exon 10 of the PALLD gene, results from a C to G substitution at nucleotide position 1972. The proline at codon 658 is replaced by alanine, an amino acid with highly similar properties. This amino acid position is conserved. In addition, the in silico prediction for this alteration is inconclusive. Since supporting evidence is limited at this time, the clinical significance of this alteration remains unclear.

NM_001166108.2(PALLD):c.1972C>G (p.Pro658Ala)

Gene: PALLD (palladin, cytoskeletal associated protein; plus strand). Cytogenetic location: 4q32.3.
Variant type: single nucleotide variant.
Coding change: c.1972C>G on transcript NM_001166108.2 (MANE Select); coding-DNA position 1972, C replaced by G.
Protein change: p.Pro658Ala; replaces proline 658 with alanine.
Molecular consequence: missense variant. On other transcripts: 5 prime UTR variant (4).
Genome position (GRCh38, 1-based): chr4:168,890,929, C>G. VCF-style: chr4-168890929-C-G. GRCh37 (hg19) VCF-style: chr4-169812080-C-G.
Other names: c.826C>G, p.Pro276Ala (NM_001166109.2); c.511C>G, p.Pro171Ala (NM_001166110.2); c.-150C>G (NM_001367567.1, NM_001367568.1, NM_001367569.1 and 1 more transcripts); c.1972C>G, p.Pro658Ala (NM_016081.4); short protein forms P171A, P276A, P658A.
Identifiers: ClinVar variation 2448483 (VCV002448483.2), dbSNP rs2533586400, ClinGen allele CA358797064.